The following is an entry in ClinVar:

ClinVar aggregate classification (germline): Likely pathogenic. Review status: criteria provided, multiple submitters, no conflicts (2 of 4 stars). 2 submissions from 2 submitters: Likely pathogenic (2). Last evaluated 2025-03-12.

Conditions:
CDHR1-related disorders.
CDHR1-related disorder. Also called: CDHR1-related condition.

gnomAD v4.1: 4 of 1,613,954 alleles (0.00025%); highest among the groups gnomAD compares: Non-Finnish European, 0.00034%; no homozygotes.

Submissions (2):

PreventionGenetics, part of Exact Sciences
Classification: Likely pathogenic for CDHR1-related condition. Last evaluated: 2025-03-12. Review status: criteria provided, single submitter. Criteria: ACMG Guidelines, 2015. Collection method: clinical testing. Allele origin: germline.
Comment: The CDHR1 c.1486-2A>G variant is predicted to disrupt the AG splice acceptor site and interfere with normal splicing. To our knowledge, this variant has not been reported in the literature in individuals with CDHR1-related disease. This variant is present in 0.0018% of alleles in individuals of European (Non-Finnish) descent in gnomAD and has been reported in a population carrier screen (Hanany et al. 2020. PubMed ID: 31964843). Variants that disrupt the consensus splice acceptor site in CDHR1 are an established mechanism of disease. This variant is interpreted as likely pathogenic.

Blueprint Genetics
Classification: Likely pathogenic for CDHR1-related disorders. Last evaluated: 2022-10-26. Review status: criteria provided, single submitter. Criteria: ACMG Guidelines, 2015. Collection method: clinical testing. Allele origin: germline. Affected: yes. Observed: 1 variant allele.

NM_033100.4(CDHR1):c.1486-2A>G

Gene: CDHR1 (cadherin related family member 1; plus strand). Cytogenetic location: 10q23.1.
Variant type: single nucleotide variant.
Coding change: c.1486-2A>G on transcript NM_033100.4 (MANE Select); the canonical splice acceptor site of the intron before coding-DNA position 1486, A replaced by G.
Molecular consequence: splice acceptor variant.
Genome position (GRCh38, 1-based): chr10:84,211,646, A>G. VCF-style: chr10-84211646-A-G. GRCh37 (hg19) VCF-style: chr10-85971402-A-G.
Other names: c.1486-2A>G (NM_033100.3, NM_001171971.3).
Identifiers: ClinVar variation 4908383 (VCV004908383.2).